The following is an entry in ClinVar:

ClinVar aggregate classification (germline): Uncertain significance (1 of 4 stars; one submission).

Allele frequency attached by ClinVar (database versions not stated): gnomAD 0.00003.

Submission:

GeneDx
Classification: Uncertain significance. Last evaluated: 2026-10-15. Review status: criteria provided, single submitter. Criteria: GeneDx Variant Classification Process June 2021. Collection method: clinical testing. Allele origin: germline.
Comment: In silico analysis supports that this missense variant has a deleterious effect on protein structure/function; Has not been previously published as pathogenic or benign to our knowledge; Variants in candidate genes are classified as variants of uncertain significance in accordance with ACMG guidelines (PMID: 25741868)

NM_007199.3(IRAK3):c.5C>A (p.Ala2Glu)

Gene: IRAK3 (interleukin 1 receptor associated kinase 3; plus strand). Cytogenetic location: 12q14.3.
Variant type: single nucleotide variant.
Coding change: c.5C>A on transcript NM_007199.3 (MANE Select); coding-DNA position 5, C replaced by A.
Protein change: p.Ala2Glu; replaces alanine 2 with glutamic acid.
Molecular consequence: missense variant.
Genome position (GRCh38, 1-based): chr12:66,189,304, C>A. VCF-style: chr12-66189304-C-A. GRCh37 (hg19) VCF-style: chr12-66583084-C-A.
Other names: c.5C>A, p.Ala2Glu (NM_001142523.2); short protein forms A2E.
Identifiers: ClinVar variation 452843 (VCV000452843.3), dbSNP rs898461145, ClinGen allele CA385617322.